The following is an entry in ClinVar:

ClinVar aggregate classification (germline): Uncertain significance (1 of 4 stars; one submission).

Submission:

Labcorp Genetics (formerly Invitae), Labcorp
Classification: Uncertain significance. Last evaluated: 2022-09-24. Review status: criteria provided, single submitter. Criteria: Invitae Variant Classification Sherloc (09022015). Collection method: clinical testing. Allele origin: germline.
Comment: This sequence change replaces glycine, which is neutral and non-polar, with arginine, which is basic and polar, at codon 1177 of the COL11A1 protein (p.Gly1177Arg). This variant is not present in population databases (gnomAD no frequency). This variant has not been reported in the literature in individuals affected with COL11A1-related conditions. Advanced modeling of protein sequence and biophysical properties (such as structural, functional, and spatial information, amino acid conservation, physicochemical variation, residue mobility, and thermodynamic stability) performed at Invitae indicates that this missense variant is expected to disrupt COL11A1 protein function. In summary, the available evidence is currently insufficient to determine the role of this variant in disease. Therefore, it has been classified as a Variant of Uncertain Significance.

NM_001854.4(COL11A1):c.3529G>A (p.Gly1177Arg)

Gene: COL11A1 (collagen type XI alpha 1 chain; minus strand). Cytogenetic location: 1p21.1.
Variant type: single nucleotide variant.
Coding change: c.3529G>A on transcript NM_001854.4 (MANE Select); coding-DNA position 3529, G replaced by A.
Protein change: p.Gly1177Arg; replaces glycine 1177 with arginine.
Molecular consequence: missense variant. On other transcripts: non-coding transcript variant (1).
Genome position (GRCh38, 1-based): chr1:102,934,520, C>T on the plus strand (G>A on the coding strand, the complement: COL11A1 is on the minus strand). VCF-style: chr1-102934520-C-T. GRCh37 (hg19) VCF-style: chr1-103400076-C-T.
Other names: c.3181G>A, p.Gly1061Arg (NM_001168249.1, NM_080630.4); c.3412G>A, p.Gly1138Arg (NM_001190709.2); c.3565G>A, p.Gly1189Arg (NM_080629.3); short protein forms G1061R, G1138R, G1177R, G1189R.
Identifiers: ClinVar variation 1714729 (VCV001714729.5), dbSNP rs2524688325, ClinGen allele CA341167610.